The following is an entry in ClinVar:

ClinVar aggregate classification (germline): Uncertain significance (1 of 4 stars; one submission).

Submission:

Ambry Genetics
Classification: Uncertain significance. Last evaluated: 2024-12-29. Review status: criteria provided, single submitter. Criteria: Ambry Variant Classification Scheme 2023. Collection method: clinical testing. Allele origin: germline.
Comment: The p.L615P variant (also known as c.1844T>C), located in coding exon 1 of the TET2 gene, results from a T to C substitution at nucleotide position 1844. The leucine at codon 615 is replaced by proline, an amino acid with similar properties. This amino acid position is conserved. In addition, this alteration is predicted to be tolerated by in silico analysis. Based on the available evidence, the clinical significance of this variant remains unclear.

NM_001127208.3(TET2):c.1844T>C (p.Leu615Pro)

Genes: TET2 (tet methylcytosine dioxygenase 2; plus strand), TET2-AS1 (TET2 antisense RNA 1; minus strand). Cytogenetic location: 4q24.
Variant type: single nucleotide variant.
Coding change: c.1844T>C on transcript NM_001127208.3 (MANE Select); coding-DNA position 1844, T replaced by C.
Protein change: p.Leu615Pro; replaces leucine 615 with proline.
Molecular consequence: missense variant.
Genome position (GRCh38, 1-based): chr4:105,235,786, T>C. VCF-style: chr4-105235786-T-C. GRCh37 (hg19) VCF-style: chr4-106156943-T-C.
Other names: c.1844T>C, p.Leu615Pro (NM_017628.4); short protein forms L615P.
Identifiers: ClinVar variation 3805911 (VCV003805911.1).
Genomic context (GRCh38, chr4:105,235,786, plus strand): 5'-ATCTCTCCAATCAAATGACCTCCAAACAATACACTGGAAATTCCAACATGCCTGGGGGGC[T>C]CCCAAGGCAAGCTTACACCCAGAAAACAACACAGCTGGAGCACAAGTCACAAATGTACCA-3'
Protein context (NP_001120680.1, residues 605-625): YTGNSNMPGG[Leu615Pro]PRQAYTQKTT